The following is an entry in ClinVar:

NM_001256789.3(CACNA1F):c.1198G>A (p.Asp400Asn)

Gene: CACNA1F (calcium voltage-gated channel subunit alpha1 F; minus strand). Cytogenetic location: Xp11.23.
Variant type: single nucleotide variant.
Coding change: c.1198G>A on transcript NM_001256789.3 (MANE Select); coding-DNA position 1198, G replaced by A.
Protein change: p.Asp400Asn; replaces aspartic acid 400 with asparagine.
Molecular consequence: missense variant.
Genome position (GRCh38, 1-based): chrX:49,227,048, C>T on the plus strand (G>A on the coding strand, the complement: CACNA1F is on the minus strand). VCF-style: chrX-49227048-C-T. GRCh37 (hg19) VCF-style: chrX-49083510-C-T.
Other names: c.1003G>A, p.Asp335Asn (NM_001256790.3); c.1198G>A, p.Asp400Asn (NM_005183.4); short protein forms D335N, D400N.
Identifiers: ClinVar variation 1385098 (VCV001385098.6), dbSNP rs2065833319, ClinGen allele CA412918981.

ClinVar aggregate classification (germline): Uncertain significance (1 of 4 stars; one submission).

Allele frequency attached by ClinVar (database versions not stated): TOPMed 0.00001.

Submission:

Labcorp Genetics (formerly Invitae), Labcorp
Classification: Uncertain significance. Last evaluated: 2022-03-09. Review status: criteria provided, single submitter. Criteria: Invitae Variant Classification Sherloc (09022015). Collection method: clinical testing. Allele origin: germline.
Comment: In summary, the available evidence is currently insufficient to determine the role of this variant in disease. Therefore, it has been classified as a Variant of Uncertain Significance. This sequence change replaces aspartic acid, which is acidic and polar, with asparagine, which is neutral and polar, at codon 400 of the CACNA1F protein (p.Asp400Asn). This variant is not present in population databases (gnomAD no frequency). This missense change has been observed in individual(s) with cone-rod dystrophy (Invitae). Algorithms developed to predict the effect of missense changes on protein structure and function are either unavailable or do not agree on the potential impact of this missense change (SIFT: "Deleterious"; PolyPhen-2: "Probably Damaging"; Align-GVGD: "Class C0").